The following is an entry in ClinVar:

ClinVar aggregate classification (germline): Conflicting classifications of pathogenicity. Review status: criteria provided, conflicting classifications (1 of 4 stars). 2 submissions from 2 submitters: Uncertain significance (1); Likely benign (1). Last evaluated 2017-04-27.

Conditions:
Hereditary spastic paraplegia. Also called: Familial spastic paraparesis. Identifiers: Orphanet 685, MedGen C0037773, MONDO:0019064. Disease mechanism: loss of function.
Hereditary spastic paraplegia 48. Also called: Spastic paraplegia 48; SPASTIC PARAPLEGIA 48, AUTOSOMAL RECESSIVE. Identifiers: Orphanet 306511, MedGen C3150901, MONDO:0013342, OMIM 613647.

Allele frequency attached by ClinVar (database versions not stated): 1000 Genomes Project 0.01238; 1000 Genomes Project 30x 0.01327; TOPMed 0.01721; gnomAD exomes 0.01984.
gnomAD v4.1: 2,442 of 152,666 alleles (1.6%); highest among the groups gnomAD compares: Middle Eastern, 5.4%; 33 homozygotes.

Submissions (2):

Illumina Laboratory Services, Illumina
Classification: Likely benign for Hereditary spastic paraplegia 48. Last evaluated: 2017-04-27. Review status: criteria provided, single submitter. Criteria: ICSL Variant Classification Criteria 13 December 2019. Collection method: clinical testing. Allele origin: germline.
Comment: This variant was observed as part of a predisposition screen in an ostensibly healthy population. A literature search was performed for the gene, cDNA change, and amino acid change (where applicable). No publications were found based on this search. Allele frequency data from public databases allowed determination this variant is unlikely to cause disease. Therefore, this variant is classified as likely benign.

Genome Diagnostics Laboratory, The Hospital for Sick Children
Classification: Uncertain significance for Hereditary spastic paraplegia. Last evaluated: 2016-12-20. Review status: criteria provided, single submitter. Criteria: ACMG Guidelines, 2015. Collection method: clinical testing. Allele origin: germline. Affected: yes.

NM_014855.3(AP5Z1):c.*2004C>T

Gene: AP5Z1 (adaptor related protein complex 5 subunit zeta 1; plus strand). Cytogenetic location: 7p22.1.
Variant type: single nucleotide variant.
Coding change: c.*2004C>T on transcript NM_014855.3 (MANE Select); 2004 bases downstream of the stop codon, C replaced by T.
Molecular consequence: 3 prime UTR variant. On other transcripts: non-coding transcript variant (1).
Genome position (GRCh38, 1-based): chr7:4,793,389, C>T. VCF-style: chr7-4793389-C-T. GRCh37 (hg19) VCF-style: chr7-4833020-C-T.
Other names: c.*2004C>T (NM_001364858.1).
Identifiers: ClinVar variation 912277 (VCV000912277.7), dbSNP rs143513418, ClinGen allele CA153040159.